The following is an entry in ClinVar:

ClinVar aggregate classification (germline): Uncertain significance (1 of 4 stars; one submission).

Conditions:
Familial focal epilepsy with variable foci (FPEVF). Identifiers: Orphanet 98820, MedGen C1858477, MONDO:0020310.

Submission:

Labcorp Genetics (formerly Invitae), Labcorp
Classification: Uncertain significance for Familial focal epilepsy with variable foci. Last evaluated: 2023-12-22. Review status: criteria provided, single submitter. Criteria: Invitae Variant Classification Sherloc (09022015). Collection method: clinical testing. Allele origin: germline.
Comment: This sequence change replaces asparagine, which is neutral and polar, with tyrosine, which is neutral and polar, at codon 599 of the DEPDC5 protein (p.Asn599Tyr). This variant is not present in population databases (gnomAD no frequency). This variant has not been reported in the literature in individuals affected with DEPDC5-related conditions. Experimental studies and prediction algorithms are not available or were not evaluated, and the functional significance of this variant is currently unknown. In summary, the available evidence is currently insufficient to determine the role of this variant in disease. Therefore, it has been classified as a Variant of Uncertain Significance.

NM_001242896.3(DEPDC5):c.1795A>T (p.Asn599Tyr)

Gene: DEPDC5 (DEP domain containing 5, GATOR1 subcomplex subunit; plus strand). Cytogenetic location: 22q12.3.
Variant type: single nucleotide variant.
Coding change: c.1795A>T on transcript NM_001242896.3 (MANE Select); coding-DNA position 1795, A replaced by T.
Protein change: p.Asn599Tyr; replaces asparagine 599 with tyrosine.
Molecular consequence: missense variant. On other transcripts: non-coding transcript variant (5).
Genome position (GRCh38, 1-based): chr22:31,819,150, A>T. VCF-style: chr22-31819150-A-T. GRCh37 (hg19) VCF-style: chr22-32215136-A-T.
Other names: c.1795A>T, p.Asn599Tyr (NM_001136029.4, NM_001242897.2, NM_001363852.2 and 6 more transcripts); c.1711A>T, p.Asn571Tyr (NM_001369901.1, NM_001369902.1); short protein forms N599Y, N571Y.
Identifiers: ClinVar variation 2847154 (VCV002847154.3), dbSNP rs2519377080, ClinGen allele CA411280860.